The following is an entry in ClinVar:

NM_001127208.3(TET2):c.6004A>G (p.Ile2002Val)

Genes: TET2 (tet methylcytosine dioxygenase 2; plus strand), TET2-AS1 (TET2 antisense RNA 1; minus strand). Cytogenetic location: 4q24.
Variant type: single nucleotide variant.
Coding change: c.6004A>G on transcript NM_001127208.3 (MANE Select); coding-DNA position 6004, A replaced by G.
Protein change: p.Ile2002Val; replaces isoleucine 2002 with valine.
Molecular consequence: missense variant.
Genome position (GRCh38, 1-based): chr4:105,276,514, A>G. VCF-style: chr4-105276514-A-G. GRCh37 (hg19) VCF-style: chr4-106197671-A-G.
Other names: short protein forms I2002V.
Identifiers: ClinVar variation 135291 (VCV000135291.1), dbSNP rs587778701, ClinGen allele CA162240.

ClinVar aggregate classification (germline): not provided (0 of 4 stars; one submission).

Allele frequency attached by ClinVar (database versions not stated): gnomAD exomes 0.00001 and 0.00003; ExAC 0.00005.
gnomAD v4.1: 14 of 1,548,172 alleles (0.0009%); highest among the groups gnomAD compares: South Asian, 0.017%; no homozygotes.

Submission:

ITMI
No classification provided. Condition: AllHighlyPenetrant. Last evaluated: 2013-09-19. Review status: no classification provided. Collection method: reference population. Allele origin: germline.
Comment: Please see associated publication for description of ethnicities

Literature cited by the submitters: PubMed 24728327.